The following is an entry in ClinVar:

NM_145725.3(TRAF3):c.511A>G (p.Lys171Glu)

Gene: TRAF3 (TNF receptor associated factor 3; plus strand). Cytogenetic location: 14q32.32.
Variant type: single nucleotide variant.
Coding change: c.511A>G on transcript NM_145725.3 (MANE Select); coding-DNA position 511, A replaced by G.
Protein change: p.Lys171Glu; replaces lysine 171 with glutamic acid.
Molecular consequence: missense variant.
Genome position (GRCh38, 1-based): chr14:102,876,466, A>G. VCF-style: chr14-102876466-A-G. GRCh37 (hg19) VCF-style: chr14-103342803-A-G.
Other names: c.511A>G, p.Lys171Glu (NM_001199427.2, NM_001385142.1, NM_001385143.1 and 2 more transcripts); short protein forms K171E.
Identifiers: ClinVar variation 1998673 (VCV001998673.4), dbSNP rs2542455473, ClinGen allele CA391070777.

ClinVar aggregate classification (germline): Uncertain significance (1 of 4 stars; one submission).

Conditions:
Immunodeficiency 132A. Also called: Herpes simplex encephalitis, susceptibility to, 3. Identifiers: Orphanet 1930, MedGen C3553868, MONDO:0013920, OMIM 614849.

Submission:

Labcorp Genetics (formerly Invitae), Labcorp
Classification: Uncertain significance for Immunodeficiency 132A. Last evaluated: 2025-06-02. Review status: criteria provided, single submitter. Criteria: Invitae Variant Classification Sherloc (09022015). Collection method: clinical testing. Allele origin: germline.
Comment: This sequence change replaces lysine, which is basic and polar, with glutamic acid, which is acidic and polar, at codon 171 of the TRAF3 protein (p.Lys171Glu). This variant is not present in population databases (gnomAD no frequency). This variant has not been reported in the literature in individuals affected with TRAF3-related conditions. ClinVar contains an entry for this variant (Variation ID: 1998673). An algorithm developed to predict the effect of missense changes on protein structure and function (PolyPhen-2) suggests that this variant is likely to be tolerated. In summary, the available evidence is currently insufficient to determine the role of this variant in disease. Therefore, it has been classified as a Variant of Uncertain Significance.